The following is an entry in ClinVar:

NM_014806.5(RUSC2):c.922G>A (p.Asp308Asn)

Gene: RUSC2 (RUN and SH3 domain containing 2; plus strand). Cytogenetic location: 9p13.3.
Variant type: single nucleotide variant.
Coding change: c.922G>A on transcript NM_014806.5 (MANE Select); coding-DNA position 922, G replaced by A.
Protein change: p.Asp308Asn; replaces aspartic acid 308 with asparagine.
Molecular consequence: missense variant. On other transcripts: non-coding transcript variant (1), intron variant (1).
Genome position (GRCh38, 1-based): chr9:35,547,443, G>A. VCF-style: chr9-35547443-G-A. GRCh37 (hg19) VCF-style: chr9-35547440-G-A.
Other names: c.922G>A, p.Asp308Asn (NM_001135999.2); c.-620-7617G>A (NM_001330740.2); short protein forms D308N.
Identifiers: ClinVar variation 1463876 (VCV001463876.5), dbSNP rs201779842, ClinGen allele CA5043561.

ClinVar aggregate classification (germline): Uncertain significance (1 of 4 stars; one submission).

Allele frequency attached by ClinVar (database versions not stated): ExAC 0.00001; gnomAD 0.00001; gnomAD exomes 0.00001 and 0.00002; 1000 Genomes Project 30x 0.00016; 1000 Genomes Project 0.00020.
gnomAD v4.1: 26 of 1,614,166 alleles (0.0016%); highest among the groups gnomAD compares: East Asian, 0.0045%; no homozygotes.

Submission:

Labcorp Genetics (formerly Invitae), Labcorp
Classification: Uncertain significance. Last evaluated: 2022-06-15. Review status: criteria provided, single submitter. Criteria: Invitae Variant Classification Sherloc (09022015). Collection method: clinical testing. Allele origin: germline.
Comment: This sequence change replaces aspartic acid, which is acidic and polar, with asparagine, which is neutral and polar, at codon 308 of the RUSC2 protein (p.Asp308Asn). This variant is present in population databases (rs201779842, gnomAD 0.0009%). This variant has not been reported in the literature in individuals affected with RUSC2-related conditions. Algorithms developed to predict the effect of missense changes on protein structure and function output the following: SIFT: "Tolerated"; PolyPhen-2: "Benign"; Align-GVGD: "Class C0". The asparagine amino acid residue is found in multiple mammalian species, which suggests that this missense change does not adversely affect protein function. In summary, the available evidence is currently insufficient to determine the role of this variant in disease. Therefore, it has been classified as a Variant of Uncertain Significance.